The following is an entry in ClinVar:

NM_147127.5(EVC2):c.1499G>A (p.Arg500Gln)

Gene: EVC2 (EvC ciliary complex subunit 2; minus strand). Cytogenetic location: 4p16.2.
Variant type: single nucleotide variant.
Coding change: c.1499G>A on transcript NM_147127.5 (MANE Select); coding-DNA position 1499, G replaced by A.
Protein change: p.Arg500Gln; replaces arginine 500 with glutamine.
Molecular consequence: missense variant.
Genome position (GRCh38, 1-based): chr4:5,632,004, C>T on the plus strand (G>A on the coding strand, the complement: EVC2 is on the minus strand). VCF-style: chr4-5632004-C-T. GRCh37 (hg19) VCF-style: chr4-5633731-C-T.
Other names: c.1259G>A, p.Arg420Gln (NM_001166136.2); short protein forms R500Q, R420Q.
Identifiers: ClinVar variation 289664 (VCV000289664.7), dbSNP rs770644264, ClinGen allele CA2835027.
Genomic context (GRCh38, chr4:5,632,004, plus strand): 5'-TCTTCTTGTTGCAAAGCGAGAGACTTCCTCAAGTGCTCCTGTTCCAGGCCATGGAGGGTC[C>T]GCAGAAGGTTGCTGCACTCTACAGCAGACTGGAGAGAGGAAAGGGAGAGCGTGAGAAACT-3'
Protein context (NP_667338.3, residues 490-510): RSAVECSNLL[Arg500Gln]TLHGLEQEHL

ClinVar aggregate classification (germline): Uncertain significance. Review status: criteria provided, multiple submitters, no conflicts (2 of 4 stars). 2 submissions from 2 submitters: Uncertain significance (2). Last evaluated 2024-11-11.

Conditions:
Curry-Hall syndrome (WAD). Also called: WEYERS ACRODENTAL DYSOSTOSIS. Identifiers: Orphanet 952, MedGen C0457013, MONDO:0008673, OMIM 193530.
Ellis-van Creveld syndrome (EVC). Also called: Chondroectodermal dysplasia; MESOECTODERMAL DYSPLASIA; EVC-Related Ellis-van Creveld Syndrome; EVC2-Related Ellis-van Creveld Syndrome. Identifiers: Orphanet 289, MedGen C0013903, MONDO:0009162, OMIM 225500.

Allele frequency attached by ClinVar (database versions not stated): gnomAD 0.00002; gnomAD exomes 0.00003 and 0.00010; TOPMed 0.00005; ExAC 0.00009.
gnomAD v4.1: 39 of 1,614,012 alleles (0.0024%); highest among the groups gnomAD compares: Admixed American, 0.052%; no homozygotes.

Submissions (2):

Labcorp Genetics (formerly Invitae), Labcorp
Classification: Uncertain significance for Curry-Hall syndrome; Ellis-van Creveld syndrome. Last evaluated: 2024-11-11. Review status: criteria provided, single submitter. Criteria: Invitae Variant Classification Sherloc (09022015). Collection method: clinical testing. Allele origin: germline.
Comment: This sequence change replaces arginine, which is basic and polar, with glutamine, which is neutral and polar, at codon 500 of the EVC2 protein (p.Arg500Gln). The frequency data for this variant in the population databases is considered unreliable, as metrics indicate poor data quality at this position in the gnomAD database. This variant has not been reported in the literature in individuals affected with EVC2-related conditions. ClinVar contains an entry for this variant (Variation ID: 289664). An algorithm developed to predict the effect of missense changes on protein structure and function (PolyPhen-2) suggests that this variant¬¨‚Ä†is likely to be tolerated. In summary, the available evidence is currently insufficient to determine the role of this variant in disease. Therefore, it has been classified as a Variant of Uncertain Significance.

Eurofins Ntd Llc (ga)
Classification: Uncertain significance. Last evaluated: 2016-07-28. Review status: criteria provided, single submitter. Criteria: EGL Classification Definitions 2015. Collection method: clinical testing. Allele origin: germline. Observed: 1 variant allele, 1 heterozygote.